The following is an entry in ClinVar:

ClinVar aggregate classification (germline): Uncertain significance (1 of 4 stars; one submission).

Conditions:
Inborn genetic diseases. Identifiers: MedGen C0950123, MeSH D030342.

gnomAD v4.1: 3 of 1,527,138 alleles (0.0002%); highest among the groups gnomAD compares: Non-Finnish European, 0.00027%; no homozygotes.

Submission:

Ambry Genetics
Classification: Uncertain significance for Inborn genetic diseases. Last evaluated: 2025-02-16. Review status: criteria provided, single submitter. Criteria: Ambry Variant Classification Scheme 2023. Collection method: clinical testing. Allele origin: germline.
Comment: The p.A661V variant (also known as c.1982C>T), located in coding exon 14 of the ERCC6L2 gene, results from a C to T substitution at nucleotide position 1982. The alanine at codon 661 is replaced by valine, an amino acid with similar properties. This amino acid position is conserved. In addition, the in silico prediction for this alteration is inconclusive. Based on the available evidence, the clinical significance of this variant remains unclear.

NM_020207.7(ERCC6L2):c.1982C>T (p.Ala661Val)

Gene: ERCC6L2 (ERCC excision repair 6 like 2; plus strand). Cytogenetic location: 9q22.32.
Variant type: single nucleotide variant.
Coding change: c.1982C>T on transcript NM_020207.7 (MANE Select); coding-DNA position 1982, C replaced by T.
Protein change: p.Ala661Val; replaces alanine 661 with valine.
Molecular consequence: missense variant. On other transcripts: non-coding transcript variant (1).
Genome position (GRCh38, 1-based): chr9:95,966,596, C>T. VCF-style: chr9-95966596-C-T. GRCh37 (hg19) VCF-style: chr9-98728878-C-T.
Other names: c.1982C>T, p.Ala661Val (NM_001010895.4, NM_001375291.1, NM_001375292.1 and 2 more transcripts); short protein forms A661V.
Identifiers: ClinVar variation 3845944 (VCV003845944.1).